The following is an entry in ClinVar:

NM_001852.4(COL9A2):c.1270G>A (p.Gly424Ser)

Gene: COL9A2 (collagen type IX alpha 2 chain; minus strand). Cytogenetic location: 1p34.2.
Variant type: single nucleotide variant.
Coding change: c.1270G>A on transcript NM_001852.4 (MANE Select); coding-DNA position 1270, G replaced by A.
Protein change: p.Gly424Ser; replaces glycine 424 with serine.
Molecular consequence: missense variant.
Genome position (GRCh38, 1-based): chr1:40,304,337, C>T on the plus strand (G>A on the coding strand, the complement: COL9A2 is on the minus strand). VCF-style: chr1-40304337-C-T. GRCh37 (hg19) VCF-style: chr1-40770009-C-T.
Other names: short protein forms G424S.
Identifiers: ClinVar variation 3337963 (VCV003337963.3).

ClinVar aggregate classification (germline): Uncertain significance. Review status: criteria provided, multiple submitters, no conflicts (2 of 4 stars). 2 submissions from 2 submitters: Uncertain significance (2). Last evaluated 2024-05-31.

Submissions (2):

Labcorp Genetics (formerly Invitae), Labcorp
Classification: Uncertain significance. Last evaluated: 2024-05-31. Review status: criteria provided, single submitter. Criteria: Invitae Variant Classification Sherloc (09022015). Collection method: clinical testing. Allele origin: germline.
Comment: This sequence change replaces glycine, which is neutral and non-polar, with serine, which is neutral and polar, at codon 424 of the COL9A2 protein (p.Gly424Ser). This variant is not present in population databases (gnomAD no frequency). This variant has not been reported in the literature in individuals affected with COL9A2-related conditions. Advanced modeling of protein sequence and biophysical properties (such as structural, functional, and spatial information, amino acid conservation, physicochemical variation, residue mobility, and thermodynamic stability) performed at Invitae indicates that this missense variant is expected to disrupt COL9A2 protein function with a positive predictive value of 95%. In summary, the available evidence is currently insufficient to determine the role of this variant in disease. Therefore, it has been classified as a Variant of Uncertain Significance.

Clinical Genetics Laboratory, Skane University Hospital Lund
Classification: Uncertain significance. Last evaluated: 2023-07-04. Review status: criteria provided, single submitter. Criteria: ACMG Guidelines, 2015. Collection method: clinical testing. Allele origin: germline. Affected: yes.